The following is an entry in ClinVar:

ClinVar aggregate classification (germline): Uncertain significance (1 of 4 stars; one submission).

Conditions:
Autosomal recessive limb-girdle muscular dystrophy type 2J (LGMDR10). Also called: Limb-girdle muscular dystrophy, type 2J; MUSCULAR DYSTROPHY, LIMB-GIRDLE, AUTOSOMAL RECESSIVE 10. Identifiers: Orphanet 140922, MedGen C1837342, MONDO:0012127, OMIM 608807.
Dilated cardiomyopathy 1G (CMD1G). Identifiers: Orphanet 154, MedGen C1858763, MONDO:0011400, OMIM 604145.

Allele frequency attached by ClinVar (database versions not stated): TOPMed below 0.00001; gnomAD exomes 0.00001.
gnomAD v4.1: 8 of 1,613,360 alleles (0.0005%); highest among the groups gnomAD compares: Non-Finnish European, 0.00068%; no homozygotes.

Submission:

Labcorp Genetics (formerly Invitae), Labcorp
Classification: Uncertain significance for Dilated cardiomyopathy 1G; Autosomal recessive limb-girdle muscular dystrophy type 2J. Last evaluated: 2025-04-30. Review status: criteria provided, single submitter. Criteria: Invitae Variant Classification Sherloc (09022015). Collection method: clinical testing. Allele origin: germline.
Comment: This sequence change falls in intron 59 of the TTN gene. It does not directly change the encoded amino acid sequence of the TTN protein. It affects a nucleotide within the consensus splice site. This variant is not present in population databases (gnomAD no frequency). This variant has not been reported in the literature in individuals affected with TTN-related conditions. ClinVar contains an entry for this variant (Variation ID: 2146582). Experimental studies and prediction algorithms are not available or were not evaluated, and the functional significance of this variant is currently unknown. Variants that disrupt the consensus splice site are a relatively common cause of aberrant splicing (PMID: 17576681, 9536098). Algorithms developed to predict the effect of sequence changes on RNA splicing suggest that this variant may disrupt the consensus splice site. This variant is located in the I band of TTN (PMID: 25589632). Variants in this region may be clinically relevant, but have not been definitively shown to cause cardiomyopathy or neuromuscular disease (PMID: 27493940, 32778822) In summary, the available evidence is currently insufficient to determine the role of this variant in disease. Therefore, it has been classified as a Variant of Uncertain Significance.

Literature cited by the submitters: PubMed 17576681; PubMed 9536098; PubMed 25589632; PubMed 27493940; PubMed 32778822.

NM_001267550.2(TTN):c.17461+5G>C

Genes: TTN (titin; minus strand), LOC126806431 (CDK7 strongly-dependent group 2 enhancer GRCh37_chr2:179595719-179596918; plus strand). Cytogenetic location: 2q31.2.
Variant type: single nucleotide variant.
Coding change: c.17461+5G>C on transcript NM_001267550.2 (MANE Select); 5 bases into the intron after coding-DNA position 17461, G replaced by C.
Molecular consequence: intron variant.
Genome position (GRCh38, 1-based): chr2:178,731,300, C>G on the plus strand (G>C on the coding strand, the complement: TTN is on the minus strand). VCF-style: chr2-178731300-C-G. GRCh37 (hg19) VCF-style: chr2-179596027-C-G.
Other names: c.13282+6782G>C (NM_003319.4); c.13858+6782G>C (NM_133437.4); c.13657+6782G>C (NM_133432.3); c.13729+5G>C (NM_133378.4); c.16510+5G>C (NM_001256850.1).
Identifiers: ClinVar variation 2146582 (VCV002146582.4), dbSNP rs2080450553, ClinGen allele CA1310597756.